The following is an entry in ClinVar:

NM_003737.4(DCHS1):c.4270G>C (p.Val1424Leu)

Gene: DCHS1 (dachsous cadherin-related 1; minus strand). Cytogenetic location: 11p15.4.
Variant type: single nucleotide variant.
Coding change: c.4270G>C on transcript NM_003737.4 (MANE Select); coding-DNA position 4270, G replaced by C.
Protein change: p.Val1424Leu; replaces valine 1424 with leucine.
Molecular consequence: missense variant.
Genome position (GRCh38, 1-based): chr11:6,630,524, C>G on the plus strand (G>C on the coding strand, the complement: DCHS1 is on the minus strand). VCF-style: chr11-6630524-C-G. GRCh37 (hg19) VCF-style: chr11-6651755-C-G.
Other names: short protein forms V1424L.
Identifiers: ClinVar variation 4798686 (VCV004798686.1).

ClinVar aggregate classification (germline): Uncertain significance (1 of 4 stars; one submission).

gnomAD v4.1: 5 of 1,537,254 alleles (0.00033%); highest among the groups gnomAD compares: Non-Finnish European, 0.00035%; no homozygotes.

Submission:

Labcorp Genetics (formerly Invitae), Labcorp
Classification: Uncertain significance. Last evaluated: 2025-12-09. Review status: criteria provided, single submitter. Criteria: Invitae Variant Classification Sherloc (09022015). Collection method: clinical testing. Allele origin: germline.
Comment: This sequence change replaces valine, which is neutral and non-polar, with leucine, which is neutral and non-polar, at codon 1424 of the DCHS1 protein (p.Val1424Leu). This variant is not present in population databases (gnomAD no frequency). This variant has not been reported in the literature in individuals affected with DCHS1-related conditions. Invitae Evidence Modeling of protein sequence and biophysical properties (such as structural, functional, and spatial information, amino acid conservation, physicochemical variation, residue mobility, and thermodynamic stability) indicates that this missense variant is not expected to disrupt DCHS1 protein function with a negative predictive value of 80%. In summary, the available evidence is currently insufficient to determine the role of this variant in disease. Therefore, it has been classified as a Variant of Uncertain Significance.